The following is an entry in ClinVar:

NM_001368894.2(PAX6):c.10+1G>A

Gene: PAX6 (paired box 6; minus strand). Cytogenetic location: 11p13.
Variant type: single nucleotide variant.
Coding change: c.10+1G>A on transcript NM_001368894.2 (MANE Select); the canonical splice donor site of the intron after coding-DNA position 10, G replaced by A.
Molecular consequence: splice donor variant. On other transcripts: intron variant (2).
Genome position (GRCh38, 1-based): chr11:31,806,401, C>T on the plus strand (G>A on the coding strand, the complement: PAX6 is on the minus strand). VCF-style: chr11-31806401-C-T. GRCh37 (hg19) VCF-style: chr11-31827949-C-T.
Other names: c.10+1G>A (NM_001368923.2, NM_001258462.3, NM_001127612.3 and 30 more transcripts); c.110+1G>A (NM_001368910.2); c.-268+4427G>A (NM_001368909.2); c.14-3567G>A (NM_001368911.2); c.-268+1G>A (NM_001368904.2); c.-772+1G>A (NM_001368905.2).
Identifiers: ClinVar variation 2137046 (VCV002137046.4), dbSNP rs1592610121, ClinGen allele CA379960098.
Genomic context (GRCh38, chr11:31,806,401, plus strand): 5'-CCCTGACCCTCGGGTCCGCGCACCCCGAGCCCGAAGTCCCAGAAAGACCAGAGGCACTTA[C>T]TGTTCTGCATGCTGGCTCTGGCTGGGGGCCGCGGGATTCCACGGGGCTCGAATATGGGGC-3'

ClinVar aggregate classification (germline): Pathogenic (1 of 4 stars; one submission).

Conditions:
Aniridia 1 (AN1). Identifiers: Orphanet 250923, MedGen C0344542, MONDO:0024507, OMIM 106210.
Irido-corneo-trabecular dysgenesis (ASGD5). Also called: ANTERIOR SEGMENT DYSGENESIS 5. Identifiers: Orphanet 708, MedGen C0344559, MONDO:0011414, OMIM 604229, HP:0000659.

Submission:

Labcorp Genetics (formerly Invitae), Labcorp
Classification: Pathogenic for Aniridia 1; Irido-corneo-trabecular dysgenesis. Last evaluated: 2022-09-28. Review status: criteria provided, single submitter. Criteria: Invitae Variant Classification Sherloc (09022015). Collection method: clinical testing. Allele origin: germline.
Comment: Algorithms developed to predict the effect of sequence changes on RNA splicing suggest that this variant may disrupt the consensus splice site. This sequence change affects a donor splice site in intron 4 of the PAX6 gene. It is expected to disrupt RNA splicing. Variants that disrupt the donor or acceptor splice site typically lead to a loss of protein function (PMID: 16199547), and loss-of-function variants in PAX6 are known to be pathogenic (PMID: 12634864). This variant is not present in population databases (gnomAD no frequency). Disruption of this splice site has been observed in individual(s) with aniridia (PMID: 25678763). For these reasons, this variant has been classified as Pathogenic.

Literature cited by the submitters: PubMed 16199547; PubMed 12634864; PubMed 25678763.